The following is an entry in ClinVar:

ClinVar aggregate classification (germline): Uncertain significance (1 of 4 stars; one submission).

Allele frequency attached by ClinVar (database versions not stated): gnomAD exomes below 0.00001; TOPMed below 0.00001.
gnomAD v4.1: 2 of 1,614,118 alleles (0.00012%); highest among the groups gnomAD compares: South Asian, 0.0011%; no homozygotes.

Submission:

Labcorp Genetics (formerly Invitae), Labcorp
Classification: Uncertain significance. Last evaluated: 2020-10-19. Review status: criteria provided, single submitter. Criteria: Invitae Variant Classification Sherloc (09022015). Collection method: clinical testing. Allele origin: germline.
Comment: In summary, the available evidence is currently insufficient to determine the role of this variant in disease. Therefore, it has been classified as a Variant of Uncertain Significance. Algorithms developed to predict the effect of missense changes on protein structure and function (SIFT, PolyPhen-2, Align-GVGD) all suggest that this variant is likely to be tolerated, but these predictions have not been confirmed by published functional studies and their clinical significance is uncertain. This variant has not been reported in the literature in individuals with TUB-related conditions. This variant is not present in population databases (ExAC no frequency). This sequence change replaces valine with isoleucine at codon 454 of the TUB protein (p.Val454Ile). The valine residue is highly conserved and there is a small physicochemical difference between valine and isoleucine.

NM_177972.3(TUB):c.1195G>A (p.Val399Ile)

Genes: RIC3 (RIC3 acetylcholine receptor chaperone; minus strand), TUB (TUB bipartite transcription factor; plus strand). Cytogenetic location: 11p15.4.
Variant type: single nucleotide variant.
Coding change: c.1195G>A on transcript NM_177972.3 (MANE Select); coding-DNA position 1195, G replaced by A.
Protein change: p.Val399Ile; replaces valine 399 with isoleucine.
Molecular consequence: missense variant.
Genome position (GRCh38, 1-based): chr11:8,100,581, G>A. VCF-style: chr11-8100581-G-A. GRCh37 (hg19) VCF-style: chr11-8122128-G-A.
Other names: c.1360G>A, p.Val454Ile (NM_003320.5); short protein forms V399I, V454I.
Identifiers: ClinVar variation 1001206 (VCV001001206.8), dbSNP rs1944234125, ClinGen allele CA379571114.
Genomic context (GRCh38, chr11:8,100,581, plus strand): 5'-TTCAAGGGGCCTCGGAAGATGAGCGTGATTGTCCCAGGCATGAACATGGTTCATGAGAGA[G>A]TCTCTATCCGCCCCCGCAACGTGAGTGTCTACCCCTTCCTCCCCTCTTTCCCCATCATCC-3'
Protein context (NP_813977.1, residues 389-409): VPGMNMVHER[Val399Ile]SIRPRNEHET